The following is an entry in ClinVar:

NM_001197104.2(KMT2A):c.5292A>C (p.Gln1764His)

Gene: KMT2A (lysine methyltransferase 2A; plus strand). Cytogenetic location: 11q23.3.
Variant type: single nucleotide variant.
Coding change: c.5292A>C on transcript NM_001197104.2 (MANE Select); coding-DNA position 5292, A replaced by C.
Protein change: p.Gln1764His; replaces glutamine 1764 with histidine.
Molecular consequence: missense variant.
Genome position (GRCh38, 1-based): chr11:118,494,696, A>C. VCF-style: chr11-118494696-A-C. GRCh37 (hg19) VCF-style: chr11-118365411-A-C.
Other names: c.5382A>C, p.Gln1794His (NM_001412597.1); c.5283A>C, p.Gln1761His (NM_005933.4); short protein forms Q1764H, Q1761H, Q1794H.
Identifiers: ClinVar variation 2099849 (VCV002099849.4), dbSNP rs541431062, ClinGen allele CA6304030.

ClinVar aggregate classification (germline): Uncertain significance (1 of 4 stars; one submission).

Allele frequency attached by ClinVar (database versions not stated): gnomAD 0.00001; 1000 Genomes Project 30x 0.00031; 1000 Genomes Project 0.00040; ExAC 0.00002.
gnomAD v4.1: 2 of 1,613,618 alleles (0.00012%); highest among the groups gnomAD compares: South Asian, 0.0022%; no homozygotes.

Submission:

Labcorp Genetics (formerly Invitae), Labcorp
Classification: Uncertain significance. Last evaluated: 2025-12-30. Review status: criteria provided, single submitter. Criteria: Invitae Variant Classification Sherloc (09022015). Collection method: clinical testing. Allele origin: germline.
Comment: This sequence change replaces glutamine, which is neutral and polar, with histidine, which is basic and polar, at codon 1764 of the KMT2A protein (p.Gln1764His). This variant is present in population databases (rs541431062, gnomAD 0.007%). This variant has not been reported in the literature in individuals affected with KMT2A-related conditions. ClinVar contains an entry for this variant (Variation ID: 2099849). An algorithm developed to predict the effect of missense changes on protein structure and function (PolyPhen-2) suggests that this variant is likely to be disruptive. In summary, the available evidence is currently insufficient to determine the role of this variant in disease. Therefore, it has been classified as a Variant of Uncertain Significance.